The following is an entry in ClinVar:

ClinVar aggregate classification (germline): Uncertain significance (1 of 4 stars; one submission).

Submission:

GeneDx
Classification: Uncertain significance. Last evaluated: 2022-04-08. Review status: criteria provided, single submitter. Criteria: GeneDx Variant Classification Process June 2021. Collection method: clinical testing. Allele origin: germline. Affected: yes.
Comment: Not observed at significant frequency in large population cohorts (gnomAD); In silico analysis supports that this variant does not alter splicing; Has not been previously published as pathogenic or benign to our knowledge

NM_001042492.3(NF1):c.1254C>T (p.Ile418=)

Gene: NF1 (neurofibromin 1; plus strand). Cytogenetic location: 17q11.2.
Variant type: single nucleotide variant.
Coding change: c.1254C>T on transcript NM_001042492.3 (MANE Select); coding-DNA position 1254, C replaced by T.
Protein change: p.Ile418=; no amino-acid change (isoleucine 418 retained).
Molecular consequence: synonymous variant.
Genome position (GRCh38, 1-based): chr17:31,201,479, C>T. VCF-style: chr17-31201479-C-T. GRCh37 (hg19) VCF-style: chr17-29528497-C-T.
Other names: c.1254C>T, p.Ile418= (NM_000267.4, NM_001128147.3).
Identifiers: ClinVar variation 1708585 (VCV001708585.2), dbSNP rs2143886933, ClinGen allele CA499220724.
Genomic context (GRCh38, chr17:31,201,479, plus strand): 5'-GGCTCAGAATTCACCTTCTACATTTCACTATGTGCTGGTAAATTCACTCCATCGAATCAT[C>T]ACCAATGTAAGTCCAAAAGGTATTGCTAAATTACTAAAAAAATTTTTTTCTTTCTTTTCT-3'
Protein context (NP_001035957.1, residues 408-428): YVLVNSLHRI[Ile418=]TNSALDWWPK